The following is an entry in ClinVar:

NM_000487.6(ARSA):c.465G>A (p.Gln155=)

Gene: ARSA (arylsulfatase A; minus strand). Cytogenetic location: 22q13.33.
Variant type: single nucleotide variant.
Coding change: c.465G>A on transcript NM_000487.6 (MANE Select); coding-DNA position 465, G replaced by A.
Protein change: p.Gln155=; no amino-acid change (glutamine 155 retained).
Molecular consequence: synonymous variant.
Genome position (GRCh38, 1-based): chr22:50,627,166, C>T on the plus strand (G>A on the coding strand, the complement: ARSA is on the minus strand). VCF-style: chr22-50627166-C-T. GRCh37 (hg19) VCF-style: chr22-51065594-C-T.
Other names: c.465G>A, p.Gln155= (NM_001085425.3, NM_001085426.3, NM_001085427.3); c.207G>A, p.Gln69= (NM_001085428.3, NM_001362782.2).
Identifiers: ClinVar variation 166691 (VCV000166691.13), dbSNP rs199476377, ClinGen allele CA233477.

ClinVar aggregate classification (germline): Conflicting classifications of pathogenicity. Review status: criteria provided, conflicting classifications (1 of 4 stars). 3 submissions from 3 submitters: Likely pathogenic (2); Uncertain significance (1). Last evaluated 2025-10-17.

Conditions:
Metachromatic leukodystrophy (MLD). Also called: METACHROMATIC LEUKOENCEPHALOPATHY; Cerebral sclerosis diffuse metachromatic form; ARSA DEFICIENCY; CEREBROSIDE SULFATASE DEFICIENCY; Arylsulfatase A Deficiency; SULFATIDE LIPIDOSIS. Identifiers: Orphanet 512, MedGen C0023522, MONDO:0018868, OMIM 250100.

Submissions (3):

Women's Health and Genetics/Laboratory Corporation of America, LabCorp
Classification: Likely pathogenic for Metachromatic leukodystrophy. Last evaluated: 2025-10-17. Review status: criteria provided, single submitter. Criteria: LabCorp Variant Classification Summary - May 2015. Collection method: clinical testing. Allele origin: germline.
Comment: Variant summary: ARSA c.465G>A (p.Gln155Gln) alters a conserved nucleotide located close to a canonical splice site and therefore could affect mRNA splicing, leading to a significantly altered protein sequence. Several computational tools predict a significant impact on normal splicing: Three predict the variant weakens a 5' donor site. One predict the variant abolishes a 5' splicing donor site. At least one publication reports experimental evidence that this variant may affect mRNA splicing in patient cells (example, Chen_2018). The variant was absent in 240440 control chromosomes. c.465G>A has been observed in individual(s) affected with Metachromatic Leukodystrophy (Chen_2018, Li_2024, Labcorp Genetics (formerly Invitae)). These data indicate that the variant may be associated with disease. To our knowledge, no experimental evidence demonstrating an impact on protein function has been reported. The following publications have been ascertained in the context of this evaluation (PMID: 30057904, 38775997). ClinVar contains an entry for this variant (Variation ID: 166691). Based on the evidence outlined above, the variant was classified as likely pathogenic.

Labcorp Genetics (formerly Invitae), Labcorp
Classification: Likely pathogenic for Metachromatic leukodystrophy. Last evaluated: 2024-01-25. Review status: criteria provided, single submitter. Criteria: Invitae Variant Classification Sherloc (09022015). Collection method: clinical testing. Allele origin: germline.
Comment: This sequence change affects codon 155 of the ARSA mRNA. It is a 'silent' change, meaning that it does not change the encoded amino acid sequence of the ARSA protein. This variant also falls at the last nucleotide of exon 2, which is part of the consensus splice site for this exon. This variant is not present in population databases (gnomAD no frequency). This variant has been observed in individual(s) with metachromatic leukodystrophy (PMID: 30057904). In at least one individual the data is consistent with being in trans (on the opposite chromosome) from a pathogenic variant. ClinVar contains an entry for this variant (Variation ID: 166691). Variants that disrupt the consensus splice site are a relatively common cause of aberrant splicing (PMID: 17576681, 9536098). Algorithms developed to predict the effect of sequence changes on RNA splicing suggest that this variant may disrupt the consensus splice site. In summary, the currently available evidence indicates that the variant is pathogenic, but additional data are needed to prove that conclusively. Therefore, this variant has been classified as Likely Pathogenic.

Eurofins Ntd Llc (ga)
Classification: Uncertain significance. Last evaluated: 2016-10-27. Review status: criteria provided, single submitter. Criteria: EGL Classification Definitions 2015. Collection method: clinical testing. Allele origin: germline. Observed: 1 variant allele, 1 heterozygote.

Literature cited by the submitters: PubMed 30057904 (cited by Women's Health and Genetics/Laboratory Corporation of America, LabCorp and Labcorp Genetics (formerly Invitae), Labcorp); PubMed 38775997 (cited by Women's Health and Genetics/Laboratory Corporation of America, LabCorp); PubMed 17576681 (cited by Labcorp Genetics (formerly Invitae), Labcorp); PubMed 9536098 (cited by Labcorp Genetics (formerly Invitae), Labcorp).